The following is an entry in ClinVar:

NM_002294.3(LAMP2):c.109G>T (p.Glu37Ter)

Gene: LAMP2 (lysosomal associated membrane protein 2; minus strand). Cytogenetic location: Xq24.
Variant type: single nucleotide variant.
Coding change: c.109G>T on transcript NM_002294.3 (MANE Select); coding-DNA position 109, G replaced by T.
Protein change: p.Glu37Ter; replaces glutamic acid 37 with a stop codon.
Molecular consequence: nonsense.
Genome position (GRCh38, 1-based): chrX:120,456,725, C>A on the plus strand (G>T on the coding strand, the complement: LAMP2 is on the minus strand). VCF-style: chrX-120456725-C-A. GRCh37 (hg19) VCF-style: chrX-119590580-C-A.
Other names: c.109G>T, p.Glu37Ter (NM_001122606.1, NM_013995.2); short protein forms E37*.
Identifiers: ClinVar variation 1791860 (VCV001791860.2), dbSNP rs2520913315, ClinGen allele CA414403723.
Genomic context (GRCh38, chrX:120,456,725, plus strand): 5'-TAGTTTCATAGCGTACTGTGAAATTCATCTGCCATTTTGCATAAAGGCAAGTGGCATTTT[C>A]TGAATCTGTCAAATTAAGTTCCAATGCATAAGACCGCACAGCTCCTGGATTCATTTAAAA-3'

ClinVar aggregate classification (germline): Pathogenic (1 of 4 stars; one submission).

Conditions:
Cardiovascular phenotype. Identifiers: MedGen CN230736.

Submission:

Ambry Genetics
Classification: Pathogenic for Cardiovascular phenotype. Last evaluated: 2017-05-05. Review status: criteria provided, single submitter. Criteria: Ambry Variant Classification Scheme 2023. Collection method: clinical testing. Allele origin: germline.
Comment: The p.E37* pathogenic mutation (also known as c.109G>T), located in coding exon 2 of the LAMP2 gene, results from a G to T substitution at nucleotide position 109. This changes the amino acid from a glutamic acid to a stop codon within coding exon 2. This alteration is expected to result in loss of function by premature protein truncation or nonsense-mediated mRNA decay. As such, this alteration is interpreted as a disease-causing mutation.